The following is an entry in ClinVar:

ClinVar aggregate classification (germline): Likely benign. Review status: criteria provided, multiple submitters, no conflicts (2 of 4 stars). 3 submissions from 3 submitters: Likely benign (3). Last evaluated 2025-05-21.

Conditions:
CNGB3-related disorder. Also called: CNGB3-related condition; CNGB3-related disorders. Identifiers: MedGen CN239340.

Allele frequency attached by ClinVar (database versions not stated): ExAC 0.00001; gnomAD 0.00001 and 0.00002; gnomAD exomes 0.00001; TOPMed 0.00002.
gnomAD v4.1: 11 of 1,605,836 alleles (0.00069%); highest among the groups gnomAD compares: African/African-American, 0.0013%; no homozygotes.

Submissions (3):

PreventionGenetics, part of Exact Sciences
Classification: Likely benign for CNGB3-related condition. Last evaluated: 2025-05-21. Review status: criteria provided, single submitter. Criteria: ACMG Guidelines, 2015. Collection method: clinical testing. Allele origin: germline.
Comment: This variant is classified as likely benign based on ACMG/AMP sequence variant interpretation guidelines (Richards et al. 2015 PMID: 25741868, with internal and published modifications).

Labcorp Genetics (formerly Invitae), Labcorp
Classification: Likely benign. Last evaluated: 2024-02-05. Review status: criteria provided, single submitter. Criteria: Invitae Variant Classification Sherloc (09022015). Collection method: clinical testing. Allele origin: germline.

Blueprint Genetics
Classification: Likely benign. Last evaluated: 2022-10-06. Review status: criteria provided, single submitter. Criteria: ACMG Guidelines, 2015. Collection method: clinical testing. Allele origin: germline.

NM_019098.5(CNGB3):c.1065A>G (p.Arg355=)

Gene: CNGB3 (cyclic nucleotide gated channel subunit beta 3; minus strand). Cytogenetic location: 8q21.3.
Variant type: single nucleotide variant.
Coding change: c.1065A>G on transcript NM_019098.5 (MANE Select); coding-DNA position 1065, A replaced by G.
Protein change: p.Arg355=; no amino-acid change (arginine 355 retained).
Molecular consequence: synonymous variant.
Genome position (GRCh38, 1-based): chr8:86,643,864, T>C on the plus strand (A>G on the coding strand, the complement: CNGB3 is on the minus strand). VCF-style: chr8-86643864-T-C. GRCh37 (hg19) VCF-style: chr8-87656092-T-C.
Identifiers: ClinVar variation 794960 (VCV000794960.12), dbSNP rs776023278, ClinGen allele CA4800160.